The following is an entry in ClinVar:

NM_001377540.1(SLMAP):c.820G>C (p.Glu274Gln)

Gene: SLMAP (sarcolemma associated protein; plus strand). Cytogenetic location: 3p14.3.
Variant type: single nucleotide variant.
Coding change: c.820G>C on transcript NM_001377540.1 (MANE Select); coding-DNA position 820, G replaced by C.
Protein change: p.Glu274Gln; replaces glutamic acid 274 with glutamine.
Molecular consequence: missense variant. On other transcripts: non-coding transcript variant (1).
Genome position (GRCh38, 1-based): chr3:57,860,831, G>C. VCF-style: chr3-57860831-G-C. GRCh37 (hg19) VCF-style: chr3-57846558-G-C.
Other names: c.820G>C, p.Glu274Gln (NM_001377541.1, NM_001377542.1, NM_001377545.1 and 17 more transcripts); short protein forms E274Q.
Identifiers: ClinVar variation 2741990 (VCV002741990.3), dbSNP rs778019864, ClinGen allele CA2466920.
Genomic context (GRCh38, chr3:57,860,831, plus strand): 5'-GCCAAAGAGTCCCTGAGGCGGGTTCTTCAGGAGAAAATTGAAGTGGTTAGAAAACTTTCA[G>C]AAGTTGAGGTATTTCAATCAAAAAAAAAATACTAAATAGTATTATGAGTGTTCAAAAAAA-3'
Protein context (NP_001364469.1, residues 264-284): EKIEVVRKLS[Glu274Gln]VERSLSNTED

ClinVar aggregate classification (germline): Uncertain significance (1 of 4 stars; one submission).

Conditions:
Brugada syndrome. Also called: Sudden Unexplained Death Syndrome; Sudden unexpected nocturnal death syndrome; Sudden unexplained nocturnal death syndrome; Sudden Unexplained Nocturnal Death Syndrome (SUNDS). Identifiers: Orphanet 130, MedGen C1142166, MONDO:0015263.

Allele frequency attached by ClinVar (database versions not stated): gnomAD 0.00002; gnomAD exomes 0.00002; ExAC 0.00003.
gnomAD v4.1: 27 of 1,583,990 alleles (0.0017%); highest among the groups gnomAD compares: Admixed American, 0.01%; no homozygotes.

Submission:

Labcorp Genetics (formerly Invitae), Labcorp
Classification: Uncertain significance for Brugada syndrome. Last evaluated: 2024-10-15. Review status: criteria provided, single submitter. Criteria: Invitae Variant Classification Sherloc (09022015). Collection method: clinical testing. Allele origin: germline.
Comment: This sequence change replaces glutamic acid, which is acidic and polar, with glutamine, which is neutral and polar, at codon 274 of the SLMAP protein (p.Glu274Gln). This variant is present in population databases (rs778019864, gnomAD 0.008%). This missense change has been observed in individual(s) with Brugada syndrome (PMID: 30847666). An algorithm developed to predict the effect of missense changes on protein structure and function (PolyPhen-2) suggests that this variant is likely to be disruptive. In summary, the available evidence is currently insufficient to determine the role of this variant in disease. Therefore, it has been classified as a Variant of Uncertain Significance.

Literature cited by the submitters: PubMed 30847666.